The following is an entry in ClinVar:

NM_001267550.2(TTN):c.9453T>C (p.Ser3151=)

Gene: TTN (titin; minus strand). Cytogenetic location: 2q31.2.
Variant type: single nucleotide variant.
Coding change: c.9453T>C on transcript NM_001267550.2 (MANE Select); coding-DNA position 9453, T replaced by C.
Protein change: p.Ser3151=; no amino-acid change (serine 3151 retained).
Molecular consequence: synonymous variant.
Genome position (GRCh38, 1-based): chr2:178,767,777, A>G on the plus strand (T>C on the coding strand, the complement: TTN is on the minus strand). VCF-style: chr2-178767777-A-G. GRCh37 (hg19) VCF-style: chr2-179632504-A-G.
Other names: c.9453T>C, p.Ser3151= (NM_001256850.1, NM_133378.4, NM_133379.5); c.9315T>C, p.Ser3105= (NM_003319.4, NM_133432.3, NM_133437.4).
Identifiers: ClinVar variation 764205 (VCV000764205.14), dbSNP rs879041803, ClinGen allele CA430298438.

ClinVar aggregate classification (germline): Likely benign. Review status: criteria provided, multiple submitters, no conflicts (2 of 4 stars). 3 submissions from 3 submitters: Likely benign (3). Last evaluated 2026-09-08.

Conditions:
TTN-related disorder. Also called: TTN-related disorders; TTN-related condition; TTN-related disease.
Dilated cardiomyopathy 1G (CMD1G). Identifiers: Orphanet 154, MedGen C1858763, MONDO:0011400, OMIM 604145.
Autosomal recessive limb-girdle muscular dystrophy type 2J (LGMDR10). Also called: Limb-girdle muscular dystrophy, type 2J; MUSCULAR DYSTROPHY, LIMB-GIRDLE, AUTOSOMAL RECESSIVE 10. Identifiers: Orphanet 140922, MedGen C1837342, MONDO:0012127, OMIM 608807.
Cardiovascular phenotype. Identifiers: MedGen CN230736.

Allele frequency attached by ClinVar (database versions not stated): gnomAD 0.00001.
gnomAD v4.1: 1 of 1,614,062 alleles (0.000062%); highest among the groups gnomAD compares: African/African-American, 0.0013%; no homozygotes.

Submissions (3):

PreventionGenetics, part of Exact Sciences
Classification: Likely benign for TTN-related condition. Last evaluated: 2026-09-08. Review status: criteria provided, single submitter. Criteria: ACMG Guidelines, 2015. Collection method: clinical testing. Allele origin: germline.
Comment: This variant is classified as likely benign based on ACMG/AMP sequence variant interpretation guidelines (Richards et al. 2015 PMID: 25741868, with internal and published modifications).

Labcorp Genetics (formerly Invitae), Labcorp
Classification: Likely benign for Dilated cardiomyopathy 1G; Autosomal recessive limb-girdle muscular dystrophy type 2J. Last evaluated: 2025-08-05. Review status: criteria provided, single submitter. Criteria: Invitae Variant Classification Sherloc (09022015). Collection method: clinical testing. Allele origin: germline.

Ambry Genetics
Classification: Likely benign for Cardiovascular phenotype. Last evaluated: 2020-03-16. Review status: criteria provided, single submitter. Criteria: Ambry Variant Classification Scheme 2023. Collection method: clinical testing. Allele origin: germline.